The following is an entry in ClinVar:

NM_001009944.3(PKD1):c.6439C>T (p.Arg2147Trp)

Gene: PKD1 (polycystin 1, transient receptor potential channel interacting; minus strand). Cytogenetic location: 16p13.3.
Variant type: single nucleotide variant.
Coding change: c.6439C>T on transcript NM_001009944.3 (MANE Select); coding-DNA position 6439, C replaced by T.
Protein change: p.Arg2147Trp; replaces arginine 2147 with tryptophan.
Molecular consequence: missense variant.
Genome position (GRCh38, 1-based): chr16:2,108,728, G>A on the plus strand (C>T on the coding strand, the complement: PKD1 is on the minus strand). VCF-style: chr16-2108728-G-A. GRCh37 (hg19) VCF-style: chr16-2158729-G-A.
Other names: c.6439C>T, p.Arg2147Trp (NM_000296.4); short protein forms R2147W.
Identifiers: ClinVar variation 3067286 (VCV003067286.23), dbSNP rs140880305, ClinGen allele CA7831601.
Genomic context (GRCh38, chr16:2,108,728, plus strand): 5'-TGCGCTGTGATCGCCGCATCAGCACCTGCAGGGGCAGGACCACGTCCACCTCCGGCTCCC[G>A]GCAGGCCAGCACCTGGACGGTCACCGTGGCCTGCGCCACGAAGAAGCTCACCAGGTTGGA-3'
Protein context (NP_001009944.3, residues 2137-2157): ATVTVQVLAC[Arg2147Trp]EPEVDVVLPL

ClinVar aggregate classification (germline): Uncertain significance. Review status: criteria provided, multiple submitters, no conflicts (2 of 4 stars). 3 submissions from 3 submitters: Uncertain significance (3). Last evaluated 2026-08-29.

Conditions:
PKD1-related disorder. Also called: PKD1-related condition.
Polycystic kidney disease, adult type (PKD1). Also called: Polycystic Kidney Disease 1, Autosomal Dominant; Polycystic kidney disease 1; Polycystic kidney disease 1, severe; Polycystic Kidney, Autosomal Dominant; POLYCYSTIC KIDNEY DISEASE, ADULT, TYPE I; POLYCYSTIC KIDNEY DISEASE 1 WITH OR WITHOUT POLYCYSTIC LIVER DISEASE. Identifiers: MedGen C3149841, MONDO:0008263, OMIM 173900.

Allele frequency attached by ClinVar (database versions not stated): TOPMed 0.00006; gnomAD 0.00013; gnomAD exomes 0.00016; ESP Exome Variant Server 0.00024; 1000 Genomes Project 30x 0.00031; 1000 Genomes Project 0.00060; ExAC 0.00068.
gnomAD v4.1: 242 of 1,571,840 alleles (0.015%); highest among the groups gnomAD compares: South Asian, 0.1%; no homozygotes.

Submissions (3):

PreventionGenetics, part of Exact Sciences
Classification: Uncertain significance for PKD1-related condition. Last evaluated: 2026-08-29. Review status: criteria provided, single submitter. Criteria: ACMG Guidelines, 2015. Collection method: clinical testing. Allele origin: germline.
Comment: The PKD1 c.6439C>T variant is predicted to result in the amino acid substitution p.Arg2147Trp. This variant has been reported as a variant of uncertain significance in a single patient with polycystic kidney disease (Supplementary Table 3, Audrézet et al. 2016. PubMed ID: 26139440). This variant is reported in 0.13% of alleles in individuals of South Asian descent in gnomAD. Although we suspect that this variant may be benign, at this time, the clinical significance of this variant is uncertain due to the absence of conclusive functional and genetic evidence.

Department of Pathology and Laboratory Medicine, Sinai Health System
Classification: Uncertain significance for Polycystic kidney disease, adult type. Last evaluated: 2024-09-17. Review status: criteria provided, single submitter. Criteria: ACMG Guidelines, 2015. Collection method: clinical testing. Allele origin: germline.

CeGaT Center for Human Genetics Tuebingen
Classification: Uncertain significance. Last evaluated: 2024-03-01. Review status: criteria provided, single submitter. Criteria: CeGaT Center For Human Genetics Tuebingen Variant Classification Criteria Version 2. Collection method: clinical testing. Allele origin: germline. Affected: yes. Observed: 1 variant allele.